The following is an entry in ClinVar:

NM_000204.5(CFI):c.209A>C (p.Asn70Thr)

Gene: CFI (complement factor I; minus strand). Cytogenetic location: 4q25.
Variant type: single nucleotide variant.
Coding change: c.209A>C on transcript NM_000204.5 (MANE Select); coding-DNA position 209, A replaced by C.
Protein change: p.Asn70Thr; replaces asparagine 70 with threonine.
Molecular consequence: missense variant. On other transcripts: non-coding transcript variant (3), intron variant (1).
Genome position (GRCh38, 1-based): chr4:109,766,673, T>G on the plus strand (A>C on the coding strand, the complement: CFI is on the minus strand). VCF-style: chr4-109766673-T-G. GRCh37 (hg19) VCF-style: chr4-110687829-T-G.
Other names: c.209A>C, p.Asn70Thr (NM_001318057.2, NM_001331035.2, NM_001375278.1 and 5 more transcripts); c.-127-4981A>C (NM_001375284.1); short protein forms N70T.
Identifiers: ClinVar variation 635452 (VCV000635452.10), dbSNP rs749553820, ClinGen allele CA3042334.
Genomic context (GRCh38, chr4:109,766,673, plus strand): 5'-CTCTTTTGTTGACAGTATGTTGGGAAGCTTCTCCTGTTAGTTGCACACACTGCAGTGCCA[T>G]TCTTTGGGCACTGATACGGTAGTTTACAAACACAGGTGCCCTCAATGCATCTCTGCCATG-3'
Protein context (NP_000195.3, residues 60-80): VCKLPYQCPK[Asn70Thr]GTAVCATNRR

ClinVar aggregate classification (germline): Uncertain significance. Review status: criteria provided, multiple submitters, no conflicts (2 of 4 stars). 4 submissions from 4 submitters: Uncertain significance (3). 1 of the submissions does not count toward it. Last evaluated 2025-09-26.

Conditions:
Atypical hemolytic-uremic syndrome. Identifiers: Orphanet 2134, MedGen C2931788, MONDO:0016244.
Atypical hemolytic-uremic syndrome with I factor anomaly. Also called: HEMOLYTIC UREMIC SYNDROME, ATYPICAL, SUSCEPTIBILITY TO, 3; AHUS, SUSCEPTIBILITY TO, 3. Identifiers: Orphanet 2134, MedGen C2752039, MONDO:0013041, OMIM 612923.

Allele frequency attached by ClinVar (database versions not stated): gnomAD 0.00001 and 0.00002; gnomAD exomes 0.00002 and 0.00004; TOPMed 0.00003; ExAC 0.00005.
gnomAD v4.1: 29 of 1,614,046 alleles (0.0018%); highest among the groups gnomAD compares: Middle Eastern, 0.016%; no homozygotes.

Submissions (4):

Genomenon, Inc
Classification: Uncertain significance for Atypical hemolytic-uremic syndrome. Last evaluated: 2025-09-26. Review status: criteria provided, single submitter. Criteria: Genomenon Sequence Variant Interpretation Standards - Updated. Collection method: curation. Allele origin: germline. Affected: yes.
Comment: CFI p.Asn70Thr (c.209A>C) is a missense variant that changes the amino acid at residue 70 from Asparagine to Threonine. This variant has been observed in at least one proband affected with atypical hemolytic-uremic syndrome (PMID:34648498). Functional studies have been reported; however, the significance of the findings remain unclear (PMID:32510551). It is absent or not present at a significant frequency in gnomAD. In silico models agree that this variant is not damaging. In conclusion, we classify CFI p.Asn70Thr (c.209A>C) as a variant of unknown significance.

Labcorp Genetics (formerly Invitae), Labcorp
Classification: Uncertain significance. Last evaluated: 2025-01-07. Review status: criteria provided, single submitter. Criteria: Invitae Variant Classification Sherloc (09022015). Collection method: clinical testing. Allele origin: germline.
Comment: This sequence change replaces asparagine, which is neutral and polar, with threonine, which is neutral and polar, at codon 70 of the CFI protein (p.Asn70Thr). This variant is present in population databases (rs749553820, gnomAD 0.005%). This missense change has been observed in individual(s) with macular degeneration (PMID: 32510551). ClinVar contains an entry for this variant (Variation ID: 635452). Invitae Evidence Modeling of protein sequence and biophysical properties (such as structural, functional, and spatial information, amino acid conservation, physicochemical variation, residue mobility, and thermodynamic stability) indicates that this missense variant is not expected to disrupt CFI protein function with a negative predictive value of 80%. Experimental studies have shown that this missense change does not substantially affect CFI function (PMID: 32510551). In summary, the available evidence is currently insufficient to determine the role of this variant in disease. Therefore, it has been classified as a Variant of Uncertain Significance.

Illumina Laboratory Services, Illumina
Classification: Uncertain significance for Atypical hemolytic-uremic syndrome with I factor anomaly. Last evaluated: 2018-03-16. Review status: criteria provided, single submitter. Criteria: ICSL Variant Classification Criteria 13 December 2019. Collection method: clinical testing. Allele origin: germline.

Bioscientia Institut fuer Medizinische Diagnostik GmbH, Sonic Healthcare
Classification: Uncertain significance for Atypical hemolytic-uremic syndrome with I factor anomaly. Last evaluated: 2018-11-20. Review status: no assertion criteria provided. Collection method: clinical testing. Allele origin: germline. Affected: yes. Not counted in ClinVar's aggregate classification.

Literature cited by the submitters: PubMed 34648498 (cited by Genomenon, Inc); 32510551 (cited by Genomenon, Inc); PubMed 32510551 (cited by Labcorp Genetics (formerly Invitae), Labcorp).